The following is an entry in ClinVar:

ClinVar aggregate classification (germline): Uncertain significance (1 of 4 stars; one submission).

gnomAD v4.1: 3 of 1,613,934 alleles (0.00019%); highest among the groups gnomAD compares: Non-Finnish European, 0.00025%; no homozygotes.

Submission:

Labcorp Genetics (formerly Invitae), Labcorp
Classification: Uncertain significance. Last evaluated: 2025-08-18. Review status: criteria provided, single submitter. Criteria: Invitae Variant Classification Sherloc (09022015). Collection method: clinical testing. Allele origin: germline.
Comment: This sequence change replaces serine, which is neutral and polar, with leucine, which is neutral and non-polar, at codon 2643 of the DCHS1 protein (p.Ser2643Leu). This variant is not present in population databases (gnomAD no frequency). This variant has not been reported in the literature in individuals affected with DCHS1-related conditions. Invitae Evidence Modeling of protein sequence and biophysical properties (such as structural, functional, and spatial information, amino acid conservation, physicochemical variation, residue mobility, and thermodynamic stability) indicates that this missense variant is expected to disrupt DCHS1 protein function with a positive predictive value of 80%. In summary, the available evidence is currently insufficient to determine the role of this variant in disease. Therefore, it has been classified as a Variant of Uncertain Significance.

NM_003737.4(DCHS1):c.7928C>T (p.Ser2643Leu)

Gene: DCHS1 (dachsous cadherin-related 1; minus strand). Cytogenetic location: 11p15.4.
Variant type: single nucleotide variant.
Coding change: c.7928C>T on transcript NM_003737.4 (MANE Select); coding-DNA position 7928, C replaced by T.
Protein change: p.Ser2643Leu; replaces serine 2643 with leucine.
Molecular consequence: missense variant.
Genome position (GRCh38, 1-based): chr11:6,623,748, G>A on the plus strand (C>T on the coding strand, the complement: DCHS1 is on the minus strand). VCF-style: chr11-6623748-G-A. GRCh37 (hg19) VCF-style: chr11-6644979-G-A.
Other names: short protein forms S2643L.
Identifiers: ClinVar variation 4764240 (VCV004764240.1).